The following is an entry in ClinVar:

NM_000090.4(COL3A1):c.2553+7T>C

Gene: COL3A1 (collagen type III alpha 1 chain; plus strand). Cytogenetic location: 2q32.2.
Variant type: single nucleotide variant.
Coding change: c.2553+7T>C on transcript NM_000090.4 (MANE Select); 7 bases into the intron after coding-DNA position 2553, T replaced by C.
Molecular consequence: intron variant.
Genome position (GRCh38, 1-based): chr2:189,003,069, T>C. VCF-style: chr2-189003069-T-C. GRCh37 (hg19) VCF-style: chr2-189867795-T-C.
Other names: p.?.
Identifiers: ClinVar variation 744196 (VCV000744196.12), dbSNP rs951182466, ClinGen allele CA62556418.

ClinVar aggregate classification (germline): Likely benign. Review status: criteria provided, multiple submitters, no conflicts (2 of 4 stars). 2 submissions from 2 submitters: Likely benign (2). Last evaluated 2026-01-19.

Conditions:
Ehlers-Danlos syndrome, type 4 (EDSVASC). Also called: Ehlers-Danlos syndrome vascular type; Ehlers Danlos syndrome, ecchymotic type; Ehlers Danlos syndrome, arterial type; Ehlers Danlos syndrome, Sack-Barabas type; Ehlers-Danlos Syndrome Type IV. Identifiers: Orphanet 286, MedGen C0268338, MONDO:0017314, OMIM 130050.

Allele frequency attached by ClinVar (database versions not stated): gnomAD exomes 0.00001 and 0.00002; gnomAD 0.00005.
gnomAD v4.1: 36 of 1,538,862 alleles (0.0023%); highest among the groups gnomAD compares: Non-Finnish European, 0.003%; no homozygotes.

Submissions (2):

Labcorp Genetics (formerly Invitae), Labcorp
Classification: Likely benign for Ehlers-Danlos syndrome, type 4. Last evaluated: 2026-01-19. Review status: criteria provided, single submitter. Criteria: Invitae Variant Classification Sherloc (09022015). Collection method: clinical testing. Allele origin: germline.

Mayo Clinic Laboratories, Mayo Clinic
Classification: Likely benign. Last evaluated: 2025-11-09. Review status: criteria provided, single submitter. Criteria: ACMG Guidelines, 2015. Collection method: clinical testing. Allele origin: germline. Observed: 1 variant allele.
Comment: BP4, BP7